The following is an entry in ClinVar:

NM_000465.4(BARD1):c.985del (p.Ser329fs)

Gene: BARD1 (BRCA1 associated RING domain 1; minus strand). Cytogenetic location: 2q35.
Variant type: Deletion.
Coding change: c.985del on transcript NM_000465.4 (MANE Select); coding-DNA position 985, one base deleted (T; older notation c.985delT).
Protein change: p.Ser329fs; shifts the reading frame from serine 329.
Molecular consequence: frameshift variant. On other transcripts: non-coding transcript variant (2), intron variant (3).
Genome position (GRCh38, 1-based): chr2:214,780,889, A deleted on the plus strand (T on the coding strand, the reverse complement: BARD1 is on the minus strand); the first of 3 consecutive A bases (chr2:214,780,889-214,780,891); deleting any one gives the same sequence. VCF-style (leftmost placement, unchanged base first): chr2-214780888-GA-G. GRCh37 (hg19) VCF-style: chr2-215645612-GA-G.
Other names: c.928del, p.Ser310fs (NM_001282543.2); c.159-28334del (NM_001282548.2); c.215+16172del (NM_001282545.2); c.364+11408del (NM_001282549.2); short protein forms S310fs, S329fs.
Identifiers: ClinVar variation 2844911 (VCV002844911.3), dbSNP rs2469505710, ClinGen allele CA2739279716.
Genomic context (GRCh38, chr2:214,780,888, plus strand): 5'-TTAACAAAATCTCCACTGGTGCTCAGAATGCTGGTTCTACATCTCTTAGAAATGGGACTG[GA>G]AAGTCTATTGTGATGGCCACGTTTTCCATTATTTTCTAATGGCAAAGATTTCTTAGATGT-3'

ClinVar aggregate classification (germline): Pathogenic (1 of 4 stars; one submission).

Conditions:
Familial cancer of breast. Also called: hereditary breast carcinoma; BREAST CANCER, FAMILIAL; Hereditary breast cancer. Identifiers: Orphanet 227535, MedGen C0346153, MONDO:0016419, OMIM 114480. Disease mechanism: loss of function.

Submission:

Labcorp Genetics (formerly Invitae), Labcorp
Classification: Pathogenic for Familial cancer of breast. Last evaluated: 2023-06-30. Review status: criteria provided, single submitter. Criteria: Invitae Variant Classification Sherloc (09022015). Collection method: clinical testing. Allele origin: germline.
Comment: For these reasons, this variant has been classified as Pathogenic. This sequence change creates a premature translational stop signal (p.Ser329Profs*13) in the BARD1 gene. It is expected to result in an absent or disrupted protein product. Loss-of-function variants in BARD1 are known to be pathogenic (PMID: 20077502, 21344236). This variant is not present in population databases (gnomAD no frequency). This variant has not been reported in the literature in individuals affected with BARD1-related conditions.

Literature cited by the submitters: PubMed 20077502; PubMed 21344236.